The following is an entry in ClinVar:

NM_001386795.1(DTNA):c.1289C>T (p.Ala430Val)

Gene: DTNA (dystrobrevin alpha; plus strand). Cytogenetic location: 18q12.1.
Variant type: single nucleotide variant.
Coding change: c.1289C>T on transcript NM_001386795.1 (MANE Select); coding-DNA position 1289, C replaced by T.
Protein change: p.Ala430Val; replaces alanine 430 with valine.
Molecular consequence: missense variant. On other transcripts: intron variant (33).
Genome position (GRCh38, 1-based): chr18:34,838,780, C>T. VCF-style: chr18-34838780-C-T. GRCh37 (hg19) VCF-style: chr18-32418744-C-T.
Other names: c.335C>T, p.Ala112Val (NM_001198942.1); c.1289C>T, p.Ala430Val (NM_001386788.1); c.1208C>T, p.Ala403Val (NM_001390.5, NM_001391.5); c.1199C>T, p.Ala400Val (NM_032978.7); c.1095-9516C>T (NM_032975.4, NM_001386761.1, NM_001386762.1 and 1 more transcripts); c.1175+9291C>T (NM_001386754.1, NM_001386755.1, NM_001386760.1 and 5 more transcripts); c.1086-9516C>T (NM_001386763.1, NM_001386764.1, NM_001386768.1 and 13 more transcripts); c.604-13051C>T (NM_001198945.2); and 4 more; short protein forms A403V, A400V, A112V, A430V.
Identifiers: ClinVar variation 568642 (VCV000568642.10), dbSNP rs375890182, ClinGen allele CA8935663.

ClinVar aggregate classification (germline): Uncertain significance. Review status: criteria provided, multiple submitters, no conflicts (2 of 4 stars). 3 submissions from 3 submitters: Uncertain significance (3). Last evaluated 2025-05-22.

Conditions:
Left ventricular noncompaction 1 (LVNC1). Also called: LEFT VENTRICULAR NONCOMPACTION 1 WITH OR WITHOUT CONGENITAL HEART DEFECTS. Identifiers: Orphanet 54260, MedGen C1858725, MONDO:0011403, OMIM 604169.
DTNA-related disorder. Also called: DTNA-related condition.

Allele frequency attached by ClinVar (database versions not stated): gnomAD exomes below 0.00001; ExAC 0.00001; TOPMed 0.00001; ESP Exome Variant Server 0.00008.

Submissions (3):

Labcorp Genetics (formerly Invitae), Labcorp
Classification: Uncertain significance for Left ventricular noncompaction 1. Last evaluated: 2025-05-22. Review status: criteria provided, single submitter. Criteria: Invitae Variant Classification Sherloc (09022015). Collection method: clinical testing. Allele origin: germline.
Comment: This sequence change replaces alanine, which is neutral and non-polar, with valine, which is neutral and non-polar, at codon 403 of the DTNA protein (p.Ala403Val). This variant is present in population databases (rs375890182, gnomAD 0.007%). This variant has not been reported in the literature in individuals affected with DTNA-related conditions. ClinVar contains an entry for this variant (Variation ID: 568642). An algorithm developed to predict the effect of missense changes on protein structure and function (PolyPhen-2) suggests that this variant is likely to be disruptive. In summary, the available evidence is currently insufficient to determine the role of this variant in disease. Therefore, it has been classified as a Variant of Uncertain Significance.

PreventionGenetics, part of Exact Sciences
Classification: Uncertain significance for DTNA-related condition. Last evaluated: 2023-03-21. Review status: criteria provided, single submitter. Criteria: ACMG Guidelines, 2015. Collection method: clinical testing. Allele origin: germline.
Comment: The DTNA c.1208C>T variant is predicted to result in the amino acid substitution p.Ala403Val. To our knowledge, this variant has not been reported in the literature. This variant is reported in 0.0062% of alleles in individuals of African descent in gnomAD. At this time, the clinical significance of this variant is uncertain due to the absence of conclusive functional and genetic evidence.

Fulgent Genetics
Classification: Uncertain significance for Left ventricular noncompaction 1. Last evaluated: 2021-10-28. Review status: criteria provided, single submitter. Criteria: ACMG Guidelines, 2015. Collection method: clinical testing. Allele origin: unknown.